The following is an entry in ClinVar:

NM_001372051.1(CASP8):c.306-1954_306-1953del

Gene: CASP8 (caspase 8; plus strand). Cytogenetic location: 2q33.1.
Variant type: Microsatellite.
Coding change: c.306-1954_306-1953del on transcript NM_001372051.1 (MANE Select); 1954 bases into the intron before coding-DNA position 306 through 1953 bases into the intron before coding-DNA position 306, 2 bases deleted (CA; older notation c.306-1954_306-1953delCA).
Molecular consequence: intron variant. On other transcripts: frameshift variant (1).
Genome position (GRCh38, 1-based): chr2:201,269,562-201,269,563, CA deleted; deleting any 2 consecutive bases within chr2:201,269,559-201,269,563 gives the same sequence; the c. name uses the placement nearest the transcript's 3' end. VCF-style (leftmost placement, unchanged base first): chr2-201269558-GAC-G. GRCh37 (hg19) VCF-style: chr2-202134281-GAC-G.
Other names: c.358_359del, p.Gln120fs (NM_001228.5); c.306-1954_306-1953del (NM_001400651.1, NM_001400663.1, NM_001400657.1 and 20 more transcripts); c.-227-1954_-227-1953del (NM_001400677.1, NM_001400750.1, NM_001400751.1 and 6 more transcripts); c.-4-1954_-4-1953del (NM_001400669.1); c.-306-1954_-306-1953del (NM_001400680.1); c.483-1954_483-1953del (NM_001080125.2, NM_001400642.1, NM_001400665.1); c.-408-1954_-408-1953del (NM_001400674.1); short protein forms Q120fs.
Identifiers: ClinVar variation 2072614 (VCV002072614.4), dbSNP rs762135470, ClinGen allele CA2053501.

ClinVar aggregate classification (germline): Pathogenic (1 of 4 stars; one submission).

Conditions:
Autoimmune lymphoproliferative syndrome type 2B. Also called: AUTOIMMUNE LYMPHOPROLIFERATIVE SYNDROME, TYPE IIB. Identifiers: Orphanet 275517, MedGen C1846545, MONDO:0011804, OMIM 607271.

Submission:

Labcorp Genetics (formerly Invitae), Labcorp
Classification: Pathogenic for Autoimmune lymphoproliferative syndrome type 2B. Last evaluated: 2024-04-15. Review status: criteria provided, single submitter. Criteria: Invitae Variant Classification Sherloc (09022015). Collection method: clinical testing. Allele origin: germline.
Comment: This sequence change creates a premature translational stop signal (p.Gln120Valfs*33) in the CASP8 gene. It is expected to result in an absent or disrupted protein product. Loss-of-function variants in CASP8 are known to be pathogenic (PMID: 12353035, 25814141). This variant is present in population databases (rs762135470, gnomAD 0.004%). This variant has not been reported in the literature in individuals affected with CASP8-related conditions. For these reasons, this variant has been classified as Pathogenic.

Literature cited by the submitters: PubMed 12353035; PubMed 25814141.